The following is an entry in ClinVar:

ClinVar aggregate classification (germline): Pathogenic (1 of 4 stars; one submission).

Conditions:
Nephronophthisis. Also called: Juvenile Nephronophthisis. Identifiers: Orphanet 655, MedGen C0687120, MONDO:0019005, HP:0000090.

Submission:

Labcorp Genetics (formerly Invitae), Labcorp
Classification: Pathogenic for Nephronophthisis. Last evaluated: 2023-10-13. Review status: criteria provided, single submitter. Criteria: Invitae Variant Classification Sherloc (09022015). Collection method: clinical testing. Allele origin: germline.
Comment: This sequence change creates a premature translational stop signal (p.Tyr91*) in the NPHP3 gene. It is expected to result in an absent or disrupted protein product. Loss-of-function variants in NPHP3 are known to be pathogenic (PMID: 18371931, 23559409). This variant is not present in population databases (gnomAD no frequency). This variant has not been reported in the literature in individuals affected with NPHP3-related conditions. ClinVar contains an entry for this variant (Variation ID: 2088304). For these reasons, this variant has been classified as Pathogenic.

Literature cited by the submitters: PubMed 18371931; PubMed 23559409.

NM_153240.5(NPHP3):c.273C>A (p.Tyr91Ter)

Genes: NPHP3 (nephrocystin 3; minus strand), NPHP3-ACAD11 (NPHP3-ACAD11 readthrough (NMD candidate); minus strand), NPHP3-AS1 (NPHP3 antisense RNA 1; plus strand), LOC129937586 (ATAC-STARR-seq lymphoblastoid silent region 14743; plus strand). Cytogenetic location: 3q22.1.
Variant type: single nucleotide variant.
Coding change: c.273C>A on transcript NM_153240.5 (MANE Select); coding-DNA position 273, C replaced by A.
Protein change: p.Tyr91Ter; replaces tyrosine 91 with a stop codon.
Molecular consequence: nonsense. On other transcripts: non-coding transcript variant (3).
Genome position (GRCh38, 1-based): chr3:132,722,083, G>T on the plus strand (C>A on the coding strand, the complement: NPHP3 is on the minus strand). VCF-style: chr3-132722083-G-T. GRCh37 (hg19) VCF-style: chr3-132440927-G-T.
Other names: short protein forms Y91*.
Identifiers: ClinVar variation 2088304 (VCV002088304.4), dbSNP rs780683528, ClinGen allele CA354589141.